The following is an entry in ClinVar:

NC_000015.10:g.(?_32696494)_(32718535_?)dup

Genes: GREM1 (gremlin 1, DAN family BMP antagonist; plus strand), SCG5 (secretogranin V; plus strand). Cytogenetic location: 15q13.3.
Variant type: Duplication.
Identifiers: ClinVar variation 831190 (VCV000831190.6).

ClinVar aggregate classification (germline): Uncertain significance (1 of 4 stars; one submission).

Conditions:
Familial colorectal cancer. Identifiers: MedGen CN280943, MONDO:0023113. Disease mechanism: loss of function.

Submission:

Labcorp Genetics (formerly Invitae), Labcorp
Classification: Uncertain significance for Familial colorectal cancer. Last evaluated: 2023-04-15. Review status: criteria provided, single submitter. Criteria: Invitae Variant Classification Sherloc (09022015). Collection method: clinical testing. Allele origin: germline.
Comment: In summary, the available evidence is currently insufficient to determine the role of this variant in disease. Therefore, it has been classified as a Variant of Uncertain Significance. Two different tandem duplications (40 kb and 16 kb) spanning the 3' end of the SCG5 gene and the region upstream of the GREM1 gene have been reported in families with hereditary mixed polyposis syndrome (PMID: 22561515, 25992589, 26493165). However, the gain identified in this individual is different from those variants, and therefore the impact of the additional duplicated sequences on GREM1 expression and function has not been established. A similar copy number variant has been observed in individual(s) with GREM1-related conditions (PMID: 29804199). A copy number gain of the genomic region encompassing the full coding sequence of the GREM1 gene has been identified. The boundaries of this event are unknown as they extend beyond the assayed region for this gene and therefore may encompass additional genes. As the precise location of this event is unknown, it may be in tandem or it may be located elsewhere in the genome.

Literature cited by the submitters: PubMed 22561515; PubMed 25992589; PubMed 26493165; PubMed 29804199.